The following is an entry in ClinVar:

NM_001164508.2(NEB):c.3682_3686del (p.Tyr1228fs)

Gene: NEB (nebulin; minus strand). Cytogenetic location: 2q23.3.
Variant type: Deletion.
Coding change: c.3682_3686del on transcript NM_001164508.2 (MANE Select); coding-DNA positions 3682 to 3686, 5 bases deleted (TACAG; older notation c.3682_3686delTACAG).
Protein change: p.Tyr1228fs; shifts the reading frame from tyrosine 1228.
Molecular consequence: frameshift variant.
Genome position (GRCh38, 1-based): chr2:151,677,653-151,677,657, CTGTA deleted on the plus strand (TACAG on the coding strand, the reverse complement: NEB is on the minus strand); deleting any 5 consecutive bases within chr2:151,677,653-151,677,659 gives the same sequence; the c. name uses the placement nearest the transcript's 3' end. VCF-style (leftmost placement, unchanged base first): chr2-151677652-CCTGTA-C. GRCh37 (hg19) VCF-style: chr2-152534166-CCTGTA-C.
Other names: c.3682_3686del, p.Tyr1228fs (NM_001164507.2, NM_001271208.2, NM_004543.5); short protein forms Y1228fs.
Identifiers: ClinVar variation 3584462 (VCV003584462.2).

ClinVar aggregate classification (germline): Pathogenic/Likely pathogenic. Review status: criteria provided, multiple submitters, no conflicts (2 of 4 stars). 2 submissions from 2 submitters: Pathogenic (1); Likely pathogenic (1). Last evaluated 2024-04-26.

Conditions:
Nemaline myopathy 2 (NEM2). Also called: Nemaline myopathy 2, autosomal recessive. Identifiers: MedGen C1850569, MONDO:0009725, OMIM 256030.
Arthrogryposis multiplex congenita 6. Identifiers: MedGen C5543431, MONDO:0030281, OMIM 619334.

Submissions (2):

Fulgent Genetics
Classification: Likely pathogenic for Nemaline myopathy 2; Arthrogryposis multiplex congenita 6. Last evaluated: 2024-04-26. Review status: criteria provided, single submitter. Criteria: ACMG Guidelines, 2015. Collection method: clinical testing. Allele origin: germline.

Myriad Genetics, Inc.
Classification: Pathogenic for Nemaline myopathy 2. Last evaluated: 2023-08-26. Review status: criteria provided, single submitter. Criteria: Myriad Autosomal Dominant, Autosomal Recessive and X-Linked Classification Criteria (2023). Collection method: clinical testing. Allele origin: unknown.
Comment: NM_001271208.1(NEB):c.3682_3686del5(Y1228Afs*29) is expected to be pathogenic in the context of NEB-related nemaline myopathy. This variant is predicted to lead to an abnormal or absent protein product due to the creation of a premature termination codon in NEB, a gene where loss-of-function variants are known to be pathogenic. Please note: this variant was assessed in the context of healthy population screening.